The following is an entry in ClinVar:

NM_001961.4(EEF2):c.558C>T (p.Asn186=)

Gene: EEF2 (eukaryotic translation elongation factor 2; minus strand). Cytogenetic location: 19p13.3.
Variant type: single nucleotide variant.
Coding change: c.558C>T on transcript NM_001961.4 (MANE Select); coding-DNA position 558, C replaced by T.
Protein change: p.Asn186=; no amino-acid change (asparagine 186 retained).
Molecular consequence: synonymous variant.
Genome position (GRCh38, 1-based): chr19:3,982,861, G>A on the plus strand (C>T on the coding strand, the complement: EEF2 is on the minus strand). VCF-style: chr19-3982861-G-A. GRCh37 (hg19) VCF-style: chr19-3982859-G-A.
Identifiers: ClinVar variation 4682396 (VCV004682396.1).

ClinVar aggregate classification (germline): Likely benign (1 of 4 stars; one submission).

gnomAD v4.1: 61 of 1,613,630 alleles (0.0038%); highest among the groups gnomAD compares: Non-Finnish European, 0.0051%; no homozygotes.

Submission:

Athena Diagnostics
Classification: Likely benign. Last evaluated: 2024-12-09. Review status: criteria provided, single submitter. Criteria: Athena Diagnostics Criteria. Collection method: clinical testing. Allele origin: unknown.
Comment: Computational tools yielded predictions that this variant is unlikely to have an effect on normal RNA splicing. This nucleotide position exhibits low evolutionary conservation.